The following is an entry in ClinVar:

NM_025207.5(FLAD1):c.1211A>G (p.Asn404Ser)

Gene: FLAD1 (flavin adenine dinucleotide synthetase 1; plus strand). Cytogenetic location: 1q21.3.
Variant type: single nucleotide variant.
Coding change: c.1211A>G on transcript NM_025207.5 (MANE Select); coding-DNA position 1211, A replaced by G.
Protein change: p.Asn404Ser; replaces asparagine 404 with serine.
Molecular consequence: missense variant.
Genome position (GRCh38, 1-based): chr1:154,989,653, A>G. VCF-style: chr1-154989653-A-G. GRCh37 (hg19) VCF-style: chr1-154962129-A-G.
Other names: c.920A>G, p.Asn307Ser (NM_001184891.2, NM_201398.3); short protein forms N404S, N307S.
Identifiers: ClinVar variation 3718680 (VCV003718680.2).
Genomic context (GRCh38, chr1:154,989,653, plus strand): 5'-TACAGACCATTGAGACCTCCCTGGCTCAGTACAGCCTCACCCAGCTCTGTGTGGGCTTCA[A>G]CGGGGGCAAAGACTGCACTGCCCTCCTGCACCTCTTCCATGCAGCTGTGCAGAGGTGAGC-3'
Protein context (NP_079483.3, residues 394-414): YSLTQLCVGF[Asn404Ser]GGKDCTALLH

ClinVar aggregate classification (germline): Uncertain significance (1 of 4 stars; one submission).

gnomAD v4.1: 12 of 1,597,760 alleles (0.00075%); highest among the groups gnomAD compares: East Asian, 0.0023%; no homozygotes.

Submission:

Labcorp Genetics (formerly Invitae), Labcorp
Classification: Uncertain significance. Last evaluated: 2024-11-20. Review status: criteria provided, single submitter. Criteria: Invitae Variant Classification Sherloc (09022015). Collection method: clinical testing. Allele origin: germline.
Comment: This sequence change replaces asparagine, which is neutral and polar, with serine, which is neutral and polar, at codon 404 of the FLAD1 protein (p.Asn404Ser). The frequency data for this variant in the population databases is considered unreliable, as metrics indicate poor data quality at this position in the gnomAD database. This variant has not been reported in the literature in individuals affected with FLAD1-related conditions. An algorithm developed to predict the effect of missense changes on protein structure and function (PolyPhen-2) suggests that this variant is likely to be disruptive. In summary, the available evidence is currently insufficient to determine the role of this variant in disease. Therefore, it has been classified as a Variant of Uncertain Significance.